The following is an entry in ClinVar:

NM_003848.4(SUCLG2):c.22C>G (p.Gln8Glu)

Gene: SUCLG2 (succinate-CoA ligase GDP-forming subunit beta; minus strand). Cytogenetic location: 3p14.1.
Variant type: single nucleotide variant.
Coding change: c.22C>G on transcript NM_003848.4 (MANE Select); coding-DNA position 22, C replaced by G.
Protein change: p.Gln8Glu; replaces glutamine 8 with glutamic acid.
Molecular consequence: missense variant.
Genome position (GRCh38, 1-based): chr3:67,654,565, G>C on the plus strand (C>G on the coding strand, the complement: SUCLG2 is on the minus strand). VCF-style: chr3-67654565-G-C. GRCh37 (hg19) VCF-style: chr3-67704989-G-C.
Other names: c.22C>G, p.Gln8Glu (NM_001177599.2); short protein forms Q8E.
Identifiers: ClinVar variation 2899122 (VCV002899122.3), dbSNP rs767287265, ClinGen allele CA2486177.

ClinVar aggregate classification (germline): Uncertain significance (1 of 4 stars; one submission).

gnomAD v4.1: 7 of 1,273,798 alleles (0.00055%); highest among the groups gnomAD compares: Non-Finnish European, 0.0006%; no homozygotes.

Submission:

Labcorp Genetics (formerly Invitae), Labcorp
Classification: Uncertain significance. Last evaluated: 2023-12-30. Review status: criteria provided, single submitter. Criteria: Invitae Variant Classification Sherloc (09022015). Collection method: clinical testing. Allele origin: germline.
Comment: This sequence change replaces glutamine, which is neutral and polar, with glutamic acid, which is acidic and polar, at codon 8 of the SUCLG2 protein (p.Gln8Glu). This variant is present in population databases (rs767287265, gnomAD 0.02%). This variant has not been reported in the literature in individuals affected with SUCLG2-related conditions. An algorithm developed to predict the effect of missense changes on protein structure and function (PolyPhen-2) suggests that this variant is likely to be tolerated. In summary, the available evidence is currently insufficient to determine the role of this variant in disease. Therefore, it has been classified as a Variant of Uncertain Significance.